The following is an entry in ClinVar:

ClinVar aggregate classification (germline): Uncertain significance (1 of 4 stars; one submission).

Conditions:
Joubert syndrome. Also called: Familial aplasia of the vermis; JOUBERT-BOLTSHAUSER SYNDROME; CEREBELLOPARENCHYMAL DISORDER IV. Identifiers: Orphanet 475, MedGen C5979921, MONDO:0018772.
Orofaciodigital syndrome I (OFD1). Also called: Papillon-Leage and Psaume Syndrome; OFDS I; Oral-Facial-Digital Syndrome Type I. Identifiers: Orphanet 2750, MedGen C1510460, MONDO:0010702, OMIM 311200.

gnomAD v4.1: 1 of 1,088,562 alleles (0.000092%); highest among the groups gnomAD compares: Non-Finnish European, 0.00013%; no homozygotes.

Submission:

Labcorp Genetics (formerly Invitae), Labcorp
Classification: Uncertain significance for Orofaciodigital syndrome I; Joubert syndrome. Last evaluated: 2025-06-04. Review status: criteria provided, single submitter. Criteria: Invitae Variant Classification Sherloc (09022015). Collection method: clinical testing. Allele origin: germline.
Comment: This sequence change falls in intron 3 of the OFD1 gene. It does not directly change the encoded amino acid sequence of the OFD1 protein. This variant is present in population databases (no rsID available, gnomAD 0.009%). This variant has not been reported in the literature in individuals affected with OFD1-related conditions. Algorithms developed to predict the effect of sequence changes on RNA splicing suggest that this variant may disrupt the consensus splice site. In summary, the available evidence is currently insufficient to determine the role of this variant in disease. Therefore, it has been classified as a Variant of Uncertain Significance.

NM_003611.3(OFD1):c.313-7T>A

Gene: OFD1 (OFD1 centriole and centriolar satellite protein; plus strand). Cytogenetic location: Xp22.2.
Variant type: single nucleotide variant.
Coding change: c.313-7T>A on transcript NM_003611.3 (MANE Select); 7 bases into the intron before coding-DNA position 313, T replaced by A.
Molecular consequence: intron variant.
Genome position (GRCh38, 1-based): chrX:13,738,839, T>A. VCF-style: chrX-13738839-T-A. GRCh37 (hg19) VCF-style: chrX-13756958-T-A.
Other names: c.-233-7T>A (NM_001330210.2); c.313-7T>A (NM_001440947.1, NM_001330209.2, NM_001440948.1).
Identifiers: ClinVar variation 4794530 (VCV004794530.1).